The following is an entry in ClinVar:

ClinVar aggregate classification (germline): Conflicting classifications of pathogenicity. Review status: criteria provided, conflicting classifications (1 of 4 stars). 2 submissions from 2 submitters: Uncertain significance (1); Likely benign (1). Last evaluated 2023-03-01.

Conditions:
Inborn genetic diseases. Identifiers: MedGen C0950123, MeSH D030342.

Allele frequency attached by ClinVar (database versions not stated): ExAC 0.00007.
gnomAD v4.1: 64 of 1,613,154 alleles (0.004%); highest among the groups gnomAD compares: South Asian, 0.045%; 1 homozygote.

Submissions (2):

Ambry Genetics
Classification: Likely benign for Inborn genetic diseases. Last evaluated: 2023-03-01. Review status: criteria provided, single submitter. Criteria: Ambry Variant Classification Scheme 2023. Collection method: clinical testing. Allele origin: germline.

Labcorp Genetics (formerly Invitae), Labcorp
Classification: Uncertain significance. Last evaluated: 2022-06-16. Review status: criteria provided, single submitter. Criteria: Invitae Variant Classification Sherloc (09022015). Collection method: clinical testing. Allele origin: germline.
Comment: This sequence change replaces arginine, which is basic and polar, with histidine, which is basic and polar, at codon 2096 of the FRAS1 protein (p.Arg2096His). This variant is present in population databases (rs774682680, gnomAD 0.04%). This variant has not been reported in the literature in individuals affected with FRAS1-related conditions. Algorithms developed to predict the effect of missense changes on protein structure and function output the following: SIFT: "Tolerated"; PolyPhen-2: "Benign"; Align-GVGD: "Class C0". The histidine amino acid residue is found in multiple mammalian species, which suggests that this missense change does not adversely affect protein function. In summary, the available evidence is currently insufficient to determine the role of this variant in disease. Therefore, it has been classified as a Variant of Uncertain Significance.

NM_025074.7(FRAS1):c.6287G>A (p.Arg2096His)

Gene: FRAS1 (Fraser extracellular matrix complex subunit 1; plus strand). Cytogenetic location: 4q21.21.
Variant type: single nucleotide variant.
Coding change: c.6287G>A on transcript NM_025074.7 (MANE Select); coding-DNA position 6287, G replaced by A.
Protein change: p.Arg2096His; replaces arginine 2096 with histidine.
Molecular consequence: missense variant.
Genome position (GRCh38, 1-based): chr4:78,450,163, G>A. VCF-style: chr4-78450163-G-A. GRCh37 (hg19) VCF-style: chr4-79371317-G-A.
Other names: c.6287G>A (NM_025074.6); short protein forms R2096H.
Identifiers: ClinVar variation 1895665 (VCV001895665.4), dbSNP rs774682680, ClinGen allele CA2977745.